The following is an entry in ClinVar:

ClinVar aggregate classification (germline): Likely pathogenic (1 of 4 stars; one submission).

Conditions:
Early-infantile DEE. Also called: Ohtahara syndrome; Early infantile epileptic encephalopathy; Early infantile epileptic encephalopathy with suppression bursts. Identifiers: Orphanet 1934, MedGen C0393706, MONDO:0800491.

Submission:

Labcorp Genetics (formerly Invitae), Labcorp
Classification: Likely pathogenic for Early-infantile DEE. Last evaluated: 2024-06-25. Review status: criteria provided, single submitter. Criteria: Invitae Variant Classification Sherloc (09022015). Collection method: clinical testing. Allele origin: germline.
Comment: This sequence change affects a donor splice site in intron 1 of the KCNQ2 gene. It is expected to disrupt RNA splicing. Variants that disrupt the donor or acceptor splice site typically lead to a loss of protein function (PMID: 16199547), and loss-of-function variants in KCNQ2 are known to be pathogenic (PMID: 14534157, 23692823, 27779742). This variant is not present in population databases (gnomAD no frequency). This variant has not been reported in the literature in individuals affected with KCNQ2-related conditions. Algorithms developed to predict the effect of sequence changes on RNA splicing suggest that this variant may disrupt the consensus splice site. In summary, the currently available evidence indicates that the variant is pathogenic, but additional data are needed to prove that conclusively. Therefore, this variant has been classified as Likely Pathogenic.

Literature cited by the submitters: PubMed 16199547; PubMed 14534157; PubMed 23692823; PubMed 27779742.

NM_172107.4(KCNQ2):c.296+2T>C

Gene: KCNQ2 (potassium voltage-gated channel subfamily Q member 2; minus strand). Cytogenetic location: 20q13.33.
Variant type: single nucleotide variant.
Coding change: c.296+2T>C on transcript NM_172107.4 (MANE Select); the canonical splice donor site of the intron after coding-DNA position 296, T replaced by C.
Molecular consequence: splice donor variant.
Genome position (GRCh38, 1-based): chr20:63,472,166, A>G on the plus strand (T>C on the coding strand, the complement: KCNQ2 is on the minus strand). VCF-style: chr20-63472166-A-G. GRCh37 (hg19) VCF-style: chr20-62103519-A-G.
Other names: c.296+2T>C (NM_004518.6, NM_172108.5, NM_172106.3 and 2 more transcripts).
Identifiers: ClinVar variation 2880678 (VCV002880678.3), dbSNP rs2516742602, ClinGen allele CA409634963.